The following is an entry in ClinVar:

ClinVar aggregate classification (germline): Likely benign. Review status: criteria provided, multiple submitters, no conflicts (2 of 4 stars). 4 submissions from 4 submitters: Likely benign (3). 1 of the submissions does not count toward it. Last evaluated 2026-05-01.

Conditions:
KMT2D-related disorder. Also called: KMT2D-Related Disorders.
Kabuki syndrome. Also called: NIIKAWA-KUROKI SYNDROME; Kabuki make-up syndrome. Identifiers: Orphanet 2322, MedGen C0796004, MONDO:0016512.

Allele frequency attached by ClinVar (database versions not stated): gnomAD 0.00003; TOPMed 0.00003; ESP Exome Variant Server 0.00008.
gnomAD v4.1: 275 of 1,610,254 alleles (0.017%); highest among the groups gnomAD compares: Non-Finnish European, 0.023%; no homozygotes.

Submissions (4):

CeGaT Center for Human Genetics Tuebingen
Classification: Likely benign. Last evaluated: 2026-05-01. Review status: criteria provided, single submitter. Criteria: CeGaT Center For Human Genetics Tuebingen Variant Classification Criteria Version 2. Collection method: clinical testing. Allele origin: germline. Affected: yes. Observed: 2 variant alleles.
Comment: KMT2D: BP4, BP7

Labcorp Genetics (formerly Invitae), Labcorp
Classification: Likely benign for Kabuki syndrome. Last evaluated: 2026-01-20. Review status: criteria provided, single submitter. Criteria: Invitae Variant Classification Sherloc (09022015). Collection method: clinical testing. Allele origin: germline.

Blueprint Genetics
Classification: Likely benign. Last evaluated: 2023-12-15. Review status: criteria provided, single submitter. Criteria: ACMG Guidelines, 2015. Collection method: clinical testing. Allele origin: germline.

PreventionGenetics, part of Exact Sciences
Classification: Likely benign for KMT2D-related condition. Last evaluated: 2021-03-29. Review status: no assertion criteria provided. Collection method: clinical testing. Allele origin: germline. Not counted in ClinVar's aggregate classification.
Comment: This variant is classified as likely benign based on ACMG/AMP sequence variant interpretation guidelines (Richards et al. 2015 PMID: 25741868, with internal and published modifications).

NM_003482.4(KMT2D):c.13506A>G (p.Leu4502=)

Gene: KMT2D (lysine methyltransferase 2D; minus strand). Cytogenetic location: 12q13.12.
Variant type: single nucleotide variant.
Coding change: c.13506A>G on transcript NM_003482.4 (MANE Select); coding-DNA position 13506, A replaced by G.
Protein change: p.Leu4502=; no amino-acid change (leucine 4502 retained).
Molecular consequence: synonymous variant.
Genome position (GRCh38, 1-based): chr12:49,031,199, T>C on the plus strand (A>G on the coding strand, the complement: KMT2D is on the minus strand). VCF-style: chr12-49031199-T-C. GRCh37 (hg19) VCF-style: chr12-49424982-T-C.
Identifiers: ClinVar variation 778728 (VCV000778728.28), dbSNP rs372508690, ClinGen allele CA6546005.